The following is an entry in ClinVar:

NM_000384.3(APOB):c.1205A>G (p.His402Arg)

Gene: APOB (apolipoprotein B; minus strand). Cytogenetic location: 2p24.1.
Variant type: single nucleotide variant.
Coding change: c.1205A>G on transcript NM_000384.3 (MANE Select); coding-DNA position 1205, A replaced by G.
Protein change: p.His402Arg; replaces histidine 402 with arginine.
Molecular consequence: missense variant.
Genome position (GRCh38, 1-based): chr2:21,032,501, T>C on the plus strand (A>G on the coding strand, the complement: APOB is on the minus strand). VCF-style: chr2-21032501-T-C. GRCh37 (hg19) VCF-style: chr2-21255373-T-C.
Other names: short protein forms H402R.
Identifiers: ClinVar variation 1516584 (VCV001516584.9), dbSNP rs965602697, ClinGen allele CA43460439.

ClinVar aggregate classification (germline): Uncertain significance. Review status: criteria provided, multiple submitters, no conflicts (2 of 4 stars). 3 submissions from 3 submitters: Uncertain significance (3). Last evaluated 2026-09-11.

Conditions:
Cardiovascular phenotype. Identifiers: MedGen CN230736.
Hypercholesterolemia, autosomal dominant, type B (FHCL2). Also called: Familial hypercholesterolemia 2; Familial Hypercholesterolemia Type B; APOLIPOPROTEIN B-100, FAMILIAL DEFECTIVE; APOLIPOPROTEIN B-100, FAMILIAL LIGAND-DEFECTIVE; HYPERCHOLESTEROLEMIA, FAMILIAL, DUE TO LIGAND-DEFECTIVE APOLIPOPROTEIN B; APOB-Related Familial Hypercholesterolemia, Autosomal Dominant. Identifiers: MedGen C1704417, MONDO:0007751, OMIM 144010.
Familial hypobetalipoproteinemia 1. Also called: APOB-Related Familial Hypobetalipoproteinemia; Hypobetalipoproteinemia, normotriglyceridemic; Acanthocytosis with hypobetalipoproteinemia. Identifiers: MedGen C4551990, MONDO:0014252, OMIM 615558.

Allele frequency attached by ClinVar (database versions not stated): gnomAD exomes below 0.00001 and 0.00002; TOPMed 0.00001.
gnomAD v4.1: 11 of 1,614,172 alleles (0.00068%); highest among the groups gnomAD compares: Middle Eastern, 0.016%; no homozygotes.

Submissions (3):

Ambry Genetics
Classification: Uncertain significance for Cardiovascular phenotype. Last evaluated: 2026-09-11. Review status: criteria provided, single submitter. Criteria: Ambry Variant Classification Scheme 2023. Collection method: clinical testing. Allele origin: germline.

Labcorp Genetics (formerly Invitae), Labcorp
Classification: Uncertain significance for Familial hypobetalipoproteinemia 1; Hypercholesterolemia, autosomal dominant, type B. Last evaluated: 2025-07-29. Review status: criteria provided, single submitter. Criteria: Invitae Variant Classification Sherloc (09022015). Collection method: clinical testing. Allele origin: germline.
Comment: This sequence change replaces histidine, which is basic and polar, with arginine, which is basic and polar, at codon 402 of the APOB protein (p.His402Arg). This variant is present in population databases (no rsID available, gnomAD 0.0009%). This variant has not been reported in the literature in individuals affected with APOB-related conditions. ClinVar contains an entry for this variant (Variation ID: 1516584). Invitae Evidence Modeling of protein sequence and biophysical properties (such as structural, functional, and spatial information, amino acid conservation, physicochemical variation, residue mobility, and thermodynamic stability) indicates that this missense variant is not expected to disrupt APOB protein function with a negative predictive value of 95%. In summary, the available evidence is currently insufficient to determine the role of this variant in disease. Therefore, it has been classified as a Variant of Uncertain Significance.

New York Genome Center
Classification: Uncertain significance for Hypercholesterolemia, autosomal dominant, type B; Familial hypobetalipoproteinemia 1. Last evaluated: 2023-01-23. Review status: criteria provided, single submitter. Criteria: NYGC Assertion Criteria 2020. Collection method: clinical testing. Allele origin: germline. Observed: 1 heterozygote.
Comment: The c.1205A>G p.(His402Arg) missense variant identified in the APOB gene has previously been deposited in ClinVar as a variant of uncertain significance [ClinVar ID: 1516584] and to our current knowledge has not been reported in an affected individual in the literature. The c.1205A>G variant isobserved in 3 alleles (~0.0007 % minor allele frequency with 0 homozygotes) in population databases (gnomAD v2.1.1 and v3.1.2, TOPMed Freeze 8), suggesting it is not a common benign variant in the populations represented in those databases. The c.1205A>G variant is located in exon 10 of this 29-exon gene, and predicted to replace a moderately conserved histidine amino acid with arginine at position 402 of the encoded protein. In silico algorithms do not predict a damaging effect to the function of the canonical protein (REVEL=0.103); however, there are no functional studies to support or refute these predictions. Based on available evidence the c.1205A>G p.(His402Arg) variant identified in APOB is classified as a Variant of Uncertain Significance.